The following is an entry in ClinVar:

NM_001035.3(RYR2):c.10515A>T (p.Val3505=)

Gene: RYR2 (ryanodine receptor 2; plus strand). Cytogenetic location: 1q43.
Variant type: single nucleotide variant.
Coding change: c.10515A>T on transcript NM_001035.3 (MANE Select); coding-DNA position 10515, A replaced by T.
Protein change: p.Val3505=; no amino-acid change (valine 3505 retained).
Molecular consequence: synonymous variant.
Genome position (GRCh38, 1-based): chr1:237,718,482, A>T. VCF-style: chr1-237718482-A-T. GRCh37 (hg19) VCF-style: chr1-237881782-A-T.
Identifiers: ClinVar variation 3009123 (VCV003009123.4), dbSNP rs755774487, ClinGen allele CA423820103.

ClinVar aggregate classification (germline): Likely benign. Review status: criteria provided, multiple submitters, no conflicts (2 of 4 stars). 2 submissions from 2 submitters: Likely benign (2). Last evaluated 2024-05-14.

Conditions:
Catecholaminergic polymorphic ventricular tachycardia (CVPT). Also called: Catecholamine-induced polymorphic ventricular tachycardia. Identifiers: Orphanet 3286, MedGen C5574922, MONDO:0017990.
Catecholaminergic polymorphic ventricular tachycardia 1. Also called: VENTRICULAR TACHYCARDIA, CATECHOLAMINERGIC POLYMORPHIC, 1, WITH OR WITHOUT ATRIAL DYSFUNCTION AND/OR DILATED CARDIOMYOPATHY; VENTRICULAR TACHYCARDIA, STRESS-INDUCED POLYMORPHIC 1; RYR2-Related Catecholaminergic Polymorphic Ventricular Tachycardia. Identifiers: Orphanet 3286, MedGen C1631597, MONDO:0011484, OMIM 604772.

gnomAD v4.1: 1 of 1,594,724 alleles (0.000063%); highest among the groups gnomAD compares: Non-Finnish European, 0.000086%; no homozygotes.

Submissions (2):

All of Us Research Program, National Institutes of Health
Classification: Likely benign for Catecholaminergic polymorphic ventricular tachycardia. Last evaluated: 2024-05-14. Review status: criteria provided, single submitter. Criteria: ACMG Guidelines, 2015. Collection method: clinical testing. Allele origin: germline. Inheritance: Autosomal dominant inheritance. Observed: 1 variant allele, 1 heterozygote.
Comment: This study involves interpretation of variants in research participants for the purpose of population health screening. Participant phenotype was not available at the time of variant classification. Additional details can be found in publication PMID: 35346344, PMCID: PMC8962531

Labcorp Genetics (formerly Invitae), Labcorp
Classification: Likely benign for Catecholaminergic polymorphic ventricular tachycardia 1. Last evaluated: 2023-05-19. Review status: criteria provided, single submitter. Criteria: Invitae Variant Classification Sherloc (09022015). Collection method: clinical testing. Allele origin: germline.